The following is an entry in ClinVar:

NM_000179.3(MSH6):c.3049A>G (p.Asn1017Asp)

Gene: MSH6 (mutS homolog 6; plus strand). Cytogenetic location: 2p16.3.
Variant type: single nucleotide variant.
Coding change: c.3049A>G on transcript NM_000179.3 (MANE Select); coding-DNA position 3049, A replaced by G.
Protein change: p.Asn1017Asp; replaces asparagine 1017 with aspartic acid.
Molecular consequence: missense variant.
Genome position (GRCh38, 1-based): chr2:47,801,032, A>G. VCF-style: chr2-47801032-A-G. GRCh37 (hg19) VCF-style: chr2-48028171-A-G.
Other names: c.2659A>G, p.Asn887Asp (NM_001281492.2); c.2143A>G, p.Asn715Asp (NM_001281493.2, NM_001281494.2); short protein forms N1017D, N715D, N887D.
Identifiers: ClinVar variation 928513 (VCV000928513.16), dbSNP rs1060502943, ClinGen allele CA346756499.

ClinVar aggregate classification (germline): Conflicting classifications of pathogenicity. Review status: criteria provided, conflicting classifications (1 of 4 stars). 5 submissions from 5 submitters: Uncertain significance (4); Likely benign (1). Last evaluated 2024-09-19.

Conditions:
Hereditary nonpolyposis colorectal neoplasms. Identifiers: MedGen C0009405, MeSH D003123.
Hereditary cancer-predisposing syndrome. Also called: Neoplastic Syndromes, Hereditary; Hereditary Cancer Syndrome; Tumor predisposition; Hereditary neoplastic syndrome. Identifiers: Orphanet 140162, MedGen C0027672, MeSH D009386, MONDO:0015356.
Endometrial carcinoma. Also called: Endometrial carcinoma, somatic. Identifiers: MedGen C0476089, MONDO:0002447, OMIM 608089, HP:0012114.

Allele frequency attached by ClinVar (database versions not stated): gnomAD 0.00001.
gnomAD v4.1: 1 of 1,584,100 alleles (0.000063%); highest among the groups gnomAD compares: African/African-American, 0.0014%; no homozygotes.

Submissions (5):

Ambry Genetics
Classification: Likely benign for Hereditary cancer-predisposing syndrome. Last evaluated: 2024-09-19. Review status: criteria provided, single submitter. Criteria: Ambry Variant Classification Scheme 2023. Collection method: clinical testing. Allele origin: germline.

Baylor Genetics
Classification: Uncertain significance for Endometrial carcinoma. Last evaluated: 2024-03-13. Review status: criteria provided, single submitter. Criteria: ACMG Guidelines, 2015. Collection method: clinical testing. Allele origin: unknown.

Color Diagnostics, LLC DBA Color Health
Classification: Uncertain significance for Hereditary cancer-predisposing syndrome. Last evaluated: 2024-03-06. Review status: criteria provided, single submitter. Criteria: ACMG Guidelines, 2015. Collection method: clinical testing. Allele origin: germline.
Comment: This missense variant replaces asparagine with aspartic acid at codon 1017 of the MSH6 protein. Computational prediction suggests that this variant may not impact protein structure and function (internally defined REVEL score threshold <= 0.5, PMID: 27666373). To our knowledge, functional studies have not been reported for this variant. This variant has not been reported in individuals affected with hereditary cancer in the literature. This variant has not been identified in the general population by the Genome Aggregation Database (gnomAD). The available evidence is insufficient to determine the role of this variant in disease conclusively. Therefore, this variant is classified as a Variant of Uncertain Significance.

Women's Health and Genetics/Laboratory Corporation of America, LabCorp
Classification: Uncertain significance. Last evaluated: 2019-10-28. Review status: criteria provided, single submitter. Criteria: LabCorp Variant Classification Summary - May 2015. Collection method: clinical testing. Allele origin: germline.
Comment: Variant summary: MSH6 c.3049A>G (p.Asn1017Asp) results in a conservative amino acid change located in the DNA mismatch repair protein MutS, core domain (IPR007696) of the encoded protein sequence. Five of five in-silico tools predict a benign effect of the variant on protein function. The variant was absent in 228062 control chromosomes (gnomAD). The available data on variant occurrences in the general population are insufficient to allow any conclusion about variant significance. To our knowledge, no occurrence of c.3049A>G in individuals affected with Lynch Syndrome and no experimental evidence demonstrating its impact on protein function have been reported. No clinical diagnostic laboratories have submitted clinical-significance assessments for this variant to ClinVar after 2014. Based on the evidence outlined above, the variant was classified as uncertain significance.

Labcorp Genetics (formerly Invitae), Labcorp
Classification: Uncertain significance for Hereditary nonpolyposis colorectal neoplasms. Last evaluated: 2019-09-25. Review status: criteria provided, single submitter. Criteria: Invitae Variant Classification Sherloc (09022015). Collection method: clinical testing. Allele origin: germline.
Comment: In summary, the available evidence is currently insufficient to determine the role of this variant in disease. Therefore, it has been classified as a Variant of Uncertain Significance. Algorithms developed to predict the effect of missense changes on protein structure and function output the following: SIFT: "Tolerated"; PolyPhen-2: "Benign"; Align-GVGD: "Class C0". The aspartic acid amino acid residue is found in multiple mammalian species, suggesting that this missense change does not adversely affect protein function. These predictions have not been confirmed by published functional studies and their clinical significance is uncertain. This variant has not been reported in the literature in individuals with MSH6-related conditions. This variant is not present in population databases (ExAC no frequency). This sequence change replaces asparagine with aspartic acid at codon 1017 of the MSH6 protein (p.Asn1017Asp). The asparagine residue is weakly conserved and there is a small physicochemical difference between asparagine and aspartic acid.